The following is an entry in ClinVar:

NM_020821.3(VPS13C):c.6324G>T (p.Met2108Ile)

Gene: VPS13C (vacuolar protein sorting 13 homolog C; minus strand). Cytogenetic location: 15q22.2.
Variant type: single nucleotide variant.
Coding change: c.6324G>T on transcript NM_020821.3 (MANE Select); coding-DNA position 6324, G replaced by T.
Protein change: p.Met2108Ile; replaces methionine 2108 with isoleucine.
Molecular consequence: missense variant.
Genome position (GRCh38, 1-based): chr15:61,927,283, C>A on the plus strand (G>T on the coding strand, the complement: VPS13C is on the minus strand). VCF-style: chr15-61927283-C-A. GRCh37 (hg19) VCF-style: chr15-62219482-C-A.
Other names: p.Met2108Ile; c.6324G>T, p.Met2108Ile (NM_001018088.3); c.6195G>T, p.Met2065Ile (NM_017684.5, NM_018080.4); short protein forms M2065I, M2108I.
Identifiers: ClinVar variation 3380295 (VCV003380295.1).

ClinVar aggregate classification (germline): Uncertain significance (1 of 4 stars; one submission).

gnomAD v4.1: 5 of 1,614,032 alleles (0.00031%); highest among the groups gnomAD compares: Admixed American, 0.0083%; no homozygotes.

Submission:

Mayo Clinic Laboratories, Mayo Clinic
Classification: Uncertain significance. Last evaluated: 2024-01-31. Review status: criteria provided, single submitter. Criteria: ACMG Guidelines, 2015. Collection method: clinical testing. Allele origin: germline. Observed: 1 variant allele.
Comment: BP4